The following is an entry in ClinVar:

NM_000452.3(SLC10A2):c.464C>G (p.Ser155Cys)

Gene: SLC10A2 (solute carrier family 10 member 2; minus strand). Cytogenetic location: 13q33.1.
Variant type: single nucleotide variant.
Coding change: c.464C>G on transcript NM_000452.3 (MANE Select); coding-DNA position 464, C replaced by G.
Protein change: p.Ser155Cys; replaces serine 155 with cysteine.
Molecular consequence: missense variant.
Genome position (GRCh38, 1-based): chr13:103,058,296, G>C on the plus strand (C>G on the coding strand, the complement: SLC10A2 is on the minus strand). VCF-style: chr13-103058296-G-C. GRCh37 (hg19) VCF-style: chr13-103710646-G-C.
Other names: short protein forms S155C.
Identifiers: ClinVar variation 3046706 (VCV003046706.2), dbSNP rs1875999315, ClinGen allele CA388608047.

ClinVar aggregate classification (germline): Uncertain significance (0 of 4 stars; one submission).

Conditions:
SLC10A2-related disorder. Also called: SLC10A2-related condition.

Allele frequency attached by ClinVar (database versions not stated): gnomAD exomes below 0.00001.
gnomAD v4.1: 2 of 1,611,246 alleles (0.00012%); highest among the groups gnomAD compares: Middle Eastern, 0.017%; no homozygotes.

Submission:

PreventionGenetics, part of Exact Sciences
Classification: Uncertain significance for SLC10A2-related condition. Last evaluated: 2023-11-27. Review status: no assertion criteria provided. Collection method: clinical testing. Allele origin: germline.
Comment: The SLC10A2 c.464C>G variant is predicted to result in the amino acid substitution p.Ser155Cys. To our knowledge, this variant has not been reported in the literature or in a large population database, indicating this variant is rare. At this time, the clinical significance of this variant is uncertain due to the absence of conclusive functional and genetic evidence.